The following is an entry in ClinVar:

NM_001384732.1(CPLANE1):c.8978A>G (p.Glu2993Gly)

Gene: CPLANE1 (ciliogenesis and planar polarity effector complex subunit 1; minus strand). Cytogenetic location: 5p13.2.
Variant type: single nucleotide variant.
Coding change: c.8978A>G on transcript NM_001384732.1 (MANE Select); coding-DNA position 8978, A replaced by G.
Protein change: p.Glu2993Gly; replaces glutamic acid 2993 with glycine.
Molecular consequence: missense variant.
Genome position (GRCh38, 1-based): chr5:37,122,469, T>C on the plus strand (A>G on the coding strand, the complement: CPLANE1 is on the minus strand). VCF-style: chr5-37122469-T-C. GRCh37 (hg19) VCF-style: chr5-37122571-T-C.
Other names: c.8816A>G, p.Glu2939Gly (NM_023073.4); short protein forms E2939G, E2993G.
Identifiers: ClinVar variation 1377789 (VCV001377789.6), dbSNP rs2150099290, ClinGen allele CA359496981.

ClinVar aggregate classification (germline): Uncertain significance (1 of 4 stars; one submission).

Submission:

Labcorp Genetics (formerly Invitae), Labcorp
Classification: Uncertain significance. Last evaluated: 2021-08-26. Review status: criteria provided, single submitter. Criteria: Invitae Variant Classification Sherloc (09022015). Collection method: clinical testing. Allele origin: germline.
Comment: This sequence change replaces glutamic acid with glycine at codon 2939 of the CPLANE1 protein (p.Glu2939Gly). The glutamic acid residue is moderately conserved and there is a moderate physicochemical difference between glutamic acid and glycine. This variant is not present in population databases (ExAC no frequency). This variant has not been reported in the literature in individuals affected with CPLANE1-related conditions. Advanced modeling of protein sequence and biophysical properties (such as structural, functional, and spatial information, amino acid conservation, physicochemical variation, residue mobility, and thermodynamic stability) performed at Invitae indicates that this missense variant is not expected to disrupt CPLANE1 protein function. In summary, the available evidence is currently insufficient to determine the role of this variant in disease. Therefore, it has been classified as a Variant of Uncertain Significance.